The following is an entry in ClinVar:

NM_006180.6(NTRK2):c.1459A>T (p.Ile487Phe)

Gene: NTRK2 (neurotrophic receptor tyrosine kinase 2; plus strand). Cytogenetic location: 9q21.33.
Variant type: single nucleotide variant.
Coding change: c.1459A>T on transcript NM_006180.6 (MANE Select); coding-DNA position 1459, A replaced by T.
Protein change: p.Ile487Phe; replaces isoleucine 487 with phenylalanine.
Molecular consequence: missense variant.
Genome position (GRCh38, 1-based): chr9:84,867,257, A>T. VCF-style: chr9-84867257-A-T. GRCh37 (hg19) VCF-style: chr9-87482172-A-T.
Other names: c.1411A>T, p.Ile471Phe (NM_001018064.3, NM_001018066.3, NM_001369532.1 and 2 more transcripts); c.1459A>T, p.Ile487Phe (NM_001018065.2, NM_001369537.1, NM_001381928.1); c.1375A>T, p.Ile459Phe (NM_001369534.1); c.943A>T, p.Ile315Phe (NM_001369535.1); c.991A>T, p.Ile331Phe (NM_001369536.1); short protein forms I331F, I459F, I315F, I487F, I471F.
Identifiers: ClinVar variation 2695978 (VCV002695978.3), dbSNP rs2075636810, ClinGen allele CA374005544.

ClinVar aggregate classification (germline): Uncertain significance (1 of 4 stars; one submission).

Submission:

Labcorp Genetics (formerly Invitae), Labcorp
Classification: Uncertain significance. Last evaluated: 2023-11-14. Review status: criteria provided, single submitter. Criteria: Invitae Variant Classification Sherloc (09022015). Collection method: clinical testing. Allele origin: germline.
Comment: This sequence change replaces isoleucine, which is neutral and non-polar, with phenylalanine, which is neutral and non-polar, at codon 487 of the NTRK2 protein (p.Ile487Phe). This variant is not present in population databases (gnomAD no frequency). This variant has not been reported in the literature in individuals affected with NTRK2-related conditions. Advanced modeling of protein sequence and biophysical properties (such as structural, functional, and spatial information, amino acid conservation, physicochemical variation, residue mobility, and thermodynamic stability) performed at Invitae indicates that this missense variant is not expected to disrupt NTRK2 protein function with a negative predictive value of 80%. In summary, the available evidence is currently insufficient to determine the role of this variant in disease. Therefore, it has been classified as a Variant of Uncertain Significance.